The following is an entry in ClinVar:

NM_182961.4(SYNE1):c.24310A>G (p.Lys8104Glu)

Gene: SYNE1 (spectrin repeat containing nuclear envelope protein 1; minus strand). Cytogenetic location: 6q25.2.
Variant type: single nucleotide variant.
Coding change: c.24310A>G on transcript NM_182961.4 (MANE Select); coding-DNA position 24310, A replaced by G.
Protein change: p.Lys8104Glu; replaces lysine 8104 with glutamic acid.
Molecular consequence: missense variant.
Genome position (GRCh38, 1-based): chr6:152,151,961, T>C on the plus strand (A>G on the coding strand, the complement: SYNE1 is on the minus strand). VCF-style: chr6-152151961-T-C. GRCh37 (hg19) VCF-style: chr6-152473096-T-C.
Other names: c.24097A>G (NM_033071.3); c.916A>G, p.Lys306Glu (NM_001347701.2); c.775A>G, p.Lys259Glu (NM_001347702.2); c.24097A>G, p.Lys8033Glu (NM_033071.5); short protein forms K8104E, K8033E, K306E, K259E.
Identifiers: ClinVar variation 596923 (VCV000596923.8), dbSNP rs1563054108, ClinGen allele CA366086827.

ClinVar aggregate classification (germline): Uncertain significance. Review status: criteria provided, multiple submitters, no conflicts (2 of 4 stars). 3 submissions from 3 submitters: Uncertain significance (3). Last evaluated 2021-12-02.

Conditions:
Inborn genetic diseases. Identifiers: MedGen C0950123, MeSH D030342.
Autosomal recessive ataxia, Beauce type. Also called: Spinocerebellar ataxia, autosomal recessive 8; ATAXIA, RECESSIVE, OF BEAUCE; SYNE1 Deficiency; SYNE1-Related Autosomal Recessive Cerebellar Ataxia. Identifiers: Orphanet 88644, MedGen C1853116, MONDO:0012549, OMIM 610743.
Emery-Dreifuss muscular dystrophy 4, autosomal dominant (EDMD4). Also called: EMERY-DREIFUSS MUSCULAR DYSTROPHY 4 WITH VARIABLE FEATURES. Identifiers: Orphanet 261, MedGen C2751807, MONDO:0013071, OMIM 612998.

Allele frequency attached by ClinVar (database versions not stated): TOPMed below 0.00001.

Submissions (3):

Labcorp Genetics (formerly Invitae), Labcorp
Classification: Uncertain significance for Emery-Dreifuss muscular dystrophy 4, autosomal dominant; Autosomal recessive ataxia, Beauce type. Last evaluated: 2021-12-02. Review status: criteria provided, single submitter. Criteria: Invitae Variant Classification Sherloc (09022015). Collection method: clinical testing. Allele origin: germline.
Comment: This sequence change replaces lysine, which is basic and polar, with glutamic acid, which is acidic and polar, at codon 8033 of the SYNE1 protein (p.Lys8033Glu). This variant is not present in population databases (gnomAD no frequency). This variant has not been reported in the literature in individuals affected with SYNE1-related conditions. ClinVar contains an entry for this variant (Variation ID: 596923). Algorithms developed to predict the effect of missense changes on protein structure and function are either unavailable or do not agree on the potential impact of this missense change (SIFT: "Deleterious"; PolyPhen-2: "Probably Damaging"; Align-GVGD: "Class C0"). In summary, the available evidence is currently insufficient to determine the role of this variant in disease. Therefore, it has been classified as a Variant of Uncertain Significance.

Ambry Genetics
Classification: Uncertain significance for Inborn genetic diseases. Last evaluated: 2021-08-17. Review status: criteria provided, single submitter. Criteria: Ambry Variant Classification Scheme 2023. Collection method: clinical testing. Allele origin: germline.

Eurofins Ntd Llc (ga)
Classification: Uncertain significance. Last evaluated: 2018-04-24. Review status: criteria provided, single submitter. Criteria: EGL ClinVar v180209 classification definitions. Collection method: clinical testing. Allele origin: germline. Observed: 1 variant allele, 1 heterozygote.